The following is an entry in ClinVar:

NM_002528.7(NTHL1):c.229C>T (p.Pro77Ser)

Gene: NTHL1 (nth like DNA glycosylase 1; minus strand). Cytogenetic location: 16p13.3.
Variant type: single nucleotide variant.
Coding change: c.229C>T on transcript NM_002528.7 (MANE Select); coding-DNA position 229, C replaced by T.
Protein change: p.Pro77Ser; replaces proline 77 with serine.
Molecular consequence: missense variant. On other transcripts: intron variant (1).
Genome position (GRCh38, 1-based): chr16:2,046,253, G>A on the plus strand (C>T on the coding strand, the complement: NTHL1 is on the minus strand). VCF-style: chr16-2046253-G-A. GRCh37 (hg19) VCF-style: chr16-2096254-G-A.
Other names: c.229C>T, p.Pro77Ser (NM_001318193.2); c.24+27C>T (NM_001318194.2); short protein forms P77S.
Identifiers: ClinVar variation 1692689 (VCV001692689.4), dbSNP rs1364808920, ClinGen allele CA394297335.

ClinVar aggregate classification (germline): Conflicting classifications of pathogenicity. Review status: criteria provided, conflicting classifications (1 of 4 stars). 3 submissions from 3 submitters: Uncertain significance (2); Likely benign (1). Last evaluated 2025-02-27.

Conditions:
Hereditary cancer-predisposing syndrome. Also called: Hereditary Cancer Syndrome; Hereditary neoplastic syndrome; Neoplastic Syndromes, Hereditary; Tumor predisposition. Identifiers: Orphanet 140162, MedGen C0027672, MeSH D009386, MONDO:0015356.

Submissions (3):

Labcorp Genetics (formerly Invitae), Labcorp
Classification: Uncertain significance. Last evaluated: 2025-02-27. Review status: criteria provided, single submitter. Criteria: Invitae Variant Classification Sherloc (09022015). Collection method: clinical testing. Allele origin: germline.
Comment: This sequence change replaces proline, which is neutral and non-polar, with serine, which is neutral and polar, at codon 85 of the NTHL1 protein (p.Pro85Ser). This variant is not present in population databases (gnomAD no frequency). This variant has not been reported in the literature in individuals affected with NTHL1-related conditions. ClinVar contains an entry for this variant (Variation ID: 1692689). An algorithm developed to predict the effect of missense changes on protein structure and function outputs the following: PolyPhen-2: "Benign". The serine amino acid residue is found in multiple mammalian species, which suggests that this missense change does not adversely affect protein function. In summary, the available evidence is currently insufficient to determine the role of this variant in disease. Therefore, it has been classified as a Variant of Uncertain Significance.

Ambry Genetics
Classification: Likely benign for Hereditary cancer-predisposing syndrome. Last evaluated: 2023-11-27. Review status: criteria provided, single submitter. Criteria: Ambry Variant Classification Scheme 2023. Collection method: clinical testing. Allele origin: germline.

Sema4
Classification: Uncertain significance for Hereditary cancer-predisposing syndrome. Last evaluated: 2022-03-17. Review status: criteria provided, single submitter. Criteria: Sema4 Curation Guidelines. Collection method: curation. Allele origin: germline.
Comment: The NTHL1 c.253C>T (p.P85S) variant has not been reported in the literature to our knowledge. This variant is not reported in the population database Genome Aggregation Database (PMID: 32461654). The variant has not been reported in ClinVar. In silico tools suggest the impact of the variant on protein function is benign, though these predictions have not been confirmed by functional studies. The evidence is insufficient to meet ACMG/AMP criteria for classifying the variant as benign or pathogenic. Thus, the clinical significance of this variant is currently uncertain.